The following is an entry in ClinVar:

ClinVar aggregate classification (germline): Uncertain significance. Review status: criteria provided, multiple submitters, no conflicts (2 of 4 stars). 2 submissions from 2 submitters: Uncertain significance (2). Last evaluated 2025-03-08.

Conditions:
Inborn genetic diseases. Identifiers: MedGen C0950123, MeSH D030342.
Beckwith-Wiedemann syndrome (BWS). Also called: Exomphalos macroglossia gigantism syndrome; EMG SYNDROME. Identifiers: Orphanet 116, MedGen C0004903, MONDO:0007534, OMIM 130650.

Allele frequency attached by ClinVar (database versions not stated): gnomAD exomes below 0.00001; TOPMed below 0.00001; gnomAD 0.00001.

Submissions (2):

Ambry Genetics
Classification: Uncertain significance for Inborn genetic diseases. Last evaluated: 2025-03-08. Review status: criteria provided, single submitter. Criteria: Ambry Variant Classification Scheme 2023. Collection method: clinical testing. Allele origin: germline.

Labcorp Genetics (formerly Invitae), Labcorp
Classification: Uncertain significance for Beckwith-Wiedemann syndrome. Last evaluated: 2024-06-21. Review status: criteria provided, single submitter. Criteria: Invitae Variant Classification Sherloc (09022015). Collection method: clinical testing. Allele origin: germline.
Comment: This sequence change replaces serine, which is neutral and polar, with glycine, which is neutral and non-polar, at codon 28 of the CDKN1C protein (p.Ser28Gly). This variant is not present in population databases (gnomAD no frequency). This variant has not been reported in the literature in individuals affected with CDKN1C-related conditions. ClinVar contains an entry for this variant (Variation ID: 840387). Algorithms developed to predict the effect of missense changes on protein structure and function output the following: SIFT: "Not Available"; PolyPhen-2: "Benign"; Align-GVGD: "Not Available". The glycine amino acid residue is found in multiple mammalian species, which suggests that this missense change does not adversely affect protein function. In summary, the available evidence is currently insufficient to determine the role of this variant in disease. Therefore, it has been classified as a Variant of Uncertain Significance.

NM_001122630.2(CDKN1C):c.49A>G (p.Ser17Gly)

Gene: CDKN1C (cyclin dependent kinase inhibitor 1C; minus strand). Cytogenetic location: 11p15.4.
Variant type: single nucleotide variant.
Coding change: c.49A>G on transcript NM_001122630.2 (MANE Select); coding-DNA position 49, A replaced by G.
Protein change: p.Ser17Gly; replaces serine 17 with glycine.
Molecular consequence: missense variant.
Genome position (GRCh38, 1-based): chr11:2,885,408, T>C on the plus strand (A>G on the coding strand, the complement: CDKN1C is on the minus strand). VCF-style: chr11-2885408-T-C. GRCh37 (hg19) VCF-style: chr11-2906638-T-C.
Other names: c.82A>G, p.Ser28Gly (NM_000076.2, NM_001362474.2); c.49A>G, p.Ser17Gly (NM_001122631.2, NM_001362475.2); short protein forms S17G, S28G.
Identifiers: ClinVar variation 840387 (VCV000840387.12), dbSNP rs1316822895, ClinGen allele CA379147845.